The following is an entry in ClinVar:

ClinVar aggregate classification (germline): Uncertain significance (1 of 4 stars; one submission).

Allele frequency attached by ClinVar (database versions not stated): gnomAD 0.00002; gnomAD exomes 0.00002 and 0.00006; TOPMed 0.00004; ExAC 0.00008.
gnomAD v4.1: 26 of 1,208,169 alleles (0.0022%); highest among the groups gnomAD compares: Admixed American, 0.022%; no homozygotes.

Submission:

Labcorp Genetics (formerly Invitae), Labcorp
Classification: Uncertain significance. Last evaluated: 2024-11-19. Review status: criteria provided, single submitter. Criteria: Invitae Variant Classification Sherloc (09022015). Collection method: clinical testing. Allele origin: germline.
Comment: This sequence change replaces proline, which is neutral and non-polar, with leucine, which is neutral and non-polar, at codon 479 of the SH3KBP1 protein (p.Pro479Leu). This variant is present in population databases (rs768002569, gnomAD 0.02%). This variant has not been reported in the literature in individuals affected with SH3KBP1-related conditions. ClinVar contains an entry for this variant (Variation ID: 1483473). Invitae Evidence Modeling of protein sequence and biophysical properties (such as structural, functional, and spatial information, amino acid conservation, physicochemical variation, residue mobility, and thermodynamic stability) indicates that this missense variant is not expected to disrupt SH3KBP1 protein function with a negative predictive value of 80%. In summary, the available evidence is currently insufficient to determine the role of this variant in disease. Therefore, it has been classified as a Variant of Uncertain Significance.

NM_031892.3(SH3KBP1):c.1436C>T (p.Pro479Leu)

Gene: SH3KBP1 (SH3 domain containing kinase binding protein 1; minus strand). Cytogenetic location: Xp22.12.
Variant type: single nucleotide variant.
Coding change: c.1436C>T on transcript NM_031892.3 (MANE Select); coding-DNA position 1436, C replaced by T.
Protein change: p.Pro479Leu; replaces proline 479 with leucine.
Molecular consequence: missense variant.
Genome position (GRCh38, 1-based): chrX:19,550,032, G>A on the plus strand (C>T on the coding strand, the complement: SH3KBP1 is on the minus strand). VCF-style: chrX-19550032-G-A. GRCh37 (hg19) VCF-style: chrX-19568150-G-A.
Other names: c.1325C>T, p.Pro442Leu (NM_001024666.3); c.722C>T, p.Pro241Leu (NM_001184960.2, NM_001353897.2); c.1436C>T, p.Pro479Leu (NM_001353890.2); c.1511C>T, p.Pro504Leu (NM_001353891.2, NM_001353892.2); c.1334C>T, p.Pro445Leu (NM_001353893.2, NM_001353894.2); c.1391C>T, p.Pro464Leu (NM_001353895.2); short protein forms P241L, P445L, P464L, P504L, P479L, P442L.
Identifiers: ClinVar variation 1483473 (VCV001483473.8), dbSNP rs768002569, ClinGen allele CA10364547.